The following is an entry in ClinVar:

ClinVar aggregate classification (germline): Pathogenic (1 of 4 stars; one submission).

Conditions:
Neurofibromatosis, type 1 (NF1). Also called: NEUROFIBROMATOSIS, TYPE I, SOMATIC; VON RECKLINGHAUSEN DISEASE; Neurofibromatosis, type I; Peripheral type neurofibromatosis. Identifiers: Orphanet 636, MedGen C0027831, MONDO:0018975, OMIM 162200. Disease mechanism: loss of function.

Submission:

Labcorp Genetics (formerly Invitae), Labcorp
Classification: Pathogenic for Neurofibromatosis, type 1. Last evaluated: 2021-08-05. Review status: criteria provided, single submitter. Criteria: Invitae Variant Classification Sherloc (09022015). Collection method: clinical testing. Allele origin: germline.
Comment: This variant is not present in population databases (ExAC no frequency). This sequence change creates a premature translational stop signal (p.Leu1243Hisfs*4) in the NF1 gene. It is expected to result in an absent or disrupted protein product. Loss-of-function variants in NF1 are known to be pathogenic (PMID: 10712197, 23913538). This variant has not been reported in the literature in individuals affected with NF1-related conditions. For these reasons, this variant has been classified as Pathogenic.

Literature cited by the submitters: PubMed 10712197; PubMed 23913538.

NM_001042492.3(NF1):c.3728_3732del (p.Leu1243fs)

Gene: NF1 (neurofibromin 1; plus strand). Cytogenetic location: 17q11.2.
Variant type: Deletion.
Coding change: c.3728_3732del on transcript NM_001042492.3 (MANE Select); coding-DNA positions 3728 to 3732, 5 bases deleted (TGGTT; older notation c.3728_3732delTGGTT).
Protein change: p.Leu1243fs; shifts the reading frame from leucine 1243.
Molecular consequence: frameshift variant.
Genome position (GRCh38, 1-based): chr17:31,235,630-31,235,634, TGGTT deleted. VCF-style (leftmost placement, unchanged base first): chr17-31235629-CTGGTT-C. GRCh37 (hg19) VCF-style: chr17-29562647-CTGGTT-C.
Other names: c.3728_3732delTGGTT, p.Leu1243Hisfs (NM_000267.4); short protein forms L1243fs.
Identifiers: ClinVar variation 1353970 (VCV001353970.6), dbSNP rs2151437742, ClinGen allele CA2573153374.